The following is an entry in ClinVar:

ClinVar aggregate classification (germline): Uncertain significance (1 of 4 stars; one submission).

Conditions:
Intellectual disability, autosomal recessive 53 (NEDHSCA). Also called: Mental retardation, autosomal recessive 53; GLYCOSYLPHOSPHATIDYLINOSITOL BIOSYNTHESIS DEFECT 13; NEURODEVELOPMENTAL DISORDER WITH OR WITHOUT HYPOTONIA, SEIZURES, AND CEREBELLAR ATROPHY. Identifiers: Orphanet 488635, MedGen C4310794, MONDO:0014832, OMIM 616917.

Allele frequency attached by ClinVar (database versions not stated): gnomAD exomes 0.00002 and 0.00001; gnomAD 0.00001; TOPMed 0.00001.
gnomAD v4.1: 17 of 1,614,122 alleles (0.0011%); highest among the groups gnomAD compares: Admixed American, 0.0083%; no homozygotes.

Submission:

Labcorp Genetics (formerly Invitae), Labcorp
Classification: Uncertain significance for Intellectual disability, autosomal recessive 53. Last evaluated: 2026-01-05. Review status: criteria provided, single submitter. Criteria: Invitae Variant Classification Sherloc (09022015). Collection method: clinical testing. Allele origin: germline.
Comment: This sequence change replaces valine, which is neutral and non-polar, with methionine, which is neutral and non-polar, at codon 314 of the PIGG protein (p.Val314Met). This variant is present in population databases (no rsID available, gnomAD 0.01%). This variant has not been reported in the literature in individuals affected with PIGG-related conditions. ClinVar contains an entry for this variant (Variation ID: 963870). Invitae Evidence Modeling of protein sequence and biophysical properties (such as structural, functional, and spatial information, amino acid conservation, physicochemical variation, residue mobility, and thermodynamic stability) indicates that this missense variant is not expected to disrupt PIGG protein function with a negative predictive value of 80%. In summary, the available evidence is currently insufficient to determine the role of this variant in disease. Therefore, it has been classified as a Variant of Uncertain Significance.

NM_001127178.3(PIGG):c.940G>A (p.Val314Met)

Gene: PIGG (phosphatidylinositol glycan anchor biosynthesis class G (EMM blood group); plus strand). Cytogenetic location: 4p16.3.
Variant type: single nucleotide variant.
Coding change: c.940G>A on transcript NM_001127178.3 (MANE Select); coding-DNA position 940, G replaced by A.
Protein change: p.Val314Met; replaces valine 314 with methionine.
Molecular consequence: missense variant. On other transcripts: 5 prime UTR variant (4), non-coding transcript variant (10).
Genome position (GRCh38, 1-based): chr4:516,011, G>A. VCF-style: chr4-516011-G-A. GRCh37 (hg19) VCF-style: chr4-509800-G-A.
Other names: c.673G>A, p.Val225Met (NM_001289051.2, NM_001289053.2, NM_001289057.2 and 2 more transcripts); c.541G>A, p.Val181Met (NM_001289052.2); c.574G>A, p.Val192Met (NM_001289055.2); c.-90G>A (NM_001345988.2); c.940G>A, p.Val314Met (NM_001345989.2, NM_017733.5); c.-686G>A (NM_001345990.2); c.-548G>A (NM_001345991.2); c.-273G>A (NM_001345994.2); short protein forms V181M, V225M, V314M, V192M.
Identifiers: ClinVar variation 963870 (VCV000963870.8), dbSNP rs1335469607, ClinGen allele CA355901833.